The following is an entry in ClinVar:

NM_001160372.4(TRAPPC9):c.877A>G (p.Ile293Val)

Gene: TRAPPC9 (trafficking protein particle complex subunit 9; minus strand). Cytogenetic location: 8q24.3.
Variant type: single nucleotide variant.
Coding change: c.877A>G on transcript NM_001160372.4 (MANE Select); coding-DNA position 877, A replaced by G.
Protein change: p.Ile293Val; replaces isoleucine 293 with valine.
Molecular consequence: missense variant. On other transcripts: intron variant (1).
Genome position (GRCh38, 1-based): chr8:140,426,624, T>C on the plus strand (A>G on the coding strand, the complement: TRAPPC9 is on the minus strand). VCF-style: chr8-140426624-T-C. GRCh37 (hg19) VCF-style: chr8-141436723-T-C.
Other names: c.898A>G, p.Ile300Val (NM_001374682.1); c.877A>G, p.Ile293Val (NM_001374683.1, NM_001374684.1, NM_031466.8); c.859+8488A>G (NM_001321646.2); c.1171A>G (NM_031466.5); short protein forms I293V, I300V.
Identifiers: ClinVar variation 1954847 (VCV001954847.5), dbSNP rs899753266, ClinGen allele CA186527352.

ClinVar aggregate classification (germline): Uncertain significance. Review status: criteria provided, multiple submitters, no conflicts (2 of 4 stars). 2 submissions from 2 submitters: Uncertain significance (2). Last evaluated 2024-11-12.

Conditions:
Inborn genetic diseases. Identifiers: MedGen C0950123, MeSH D030342.

Allele frequency attached by ClinVar (database versions not stated): gnomAD exomes below 0.00001.
gnomAD v4.1: 2 of 1,613,394 alleles (0.00012%); highest among the groups gnomAD compares: Non-Finnish European, 0.00017%; no homozygotes.

Submissions (2):

Ambry Genetics
Classification: Uncertain significance for Inborn genetic diseases. Last evaluated: 2024-11-12. Review status: criteria provided, single submitter. Criteria: Ambry Variant Classification Scheme 2023. Collection method: clinical testing. Allele origin: germline.

Labcorp Genetics (formerly Invitae), Labcorp
Classification: Uncertain significance. Last evaluated: 2022-08-23. Review status: criteria provided, single submitter. Criteria: Invitae Variant Classification Sherloc (09022015). Collection method: clinical testing. Allele origin: germline.
Comment: In summary, the available evidence is currently insufficient to determine the role of this variant in disease. Therefore, it has been classified as a Variant of Uncertain Significance. Algorithms developed to predict the effect of missense changes on protein structure and function are either unavailable or do not agree on the potential impact of this missense change (SIFT: "Not Available"; PolyPhen-2: "Possibly Damaging"; Align-GVGD: "Not Available"). This variant has not been reported in the literature in individuals affected with TRAPPC9-related conditions. This variant is not present in population databases (gnomAD no frequency). This sequence change replaces isoleucine, which is neutral and non-polar, with valine, which is neutral and non-polar, at codon 391 of the TRAPPC9 protein (p.Ile391Val).